The following is an entry in ClinVar:

ClinVar aggregate classification (germline): Likely benign. Review status: criteria provided, multiple submitters, no conflicts (2 of 4 stars). 3 submissions from 3 submitters: Likely benign (2). 1 of the submissions does not count toward it. Last evaluated 2025-05-05.

Conditions:
Autosomal recessive nonsyndromic hearing loss 18A. Also called: DEAFNESS, AUTOSOMAL RECESSIVE 18; Deafness, autosomal recessive 18A. Identifiers: Orphanet 90636, MedGen C1865870, MONDO:0011192, OMIM 602092.
Usher syndrome type 1C. Also called: USHER SYNDROME, TYPE I, ACADIAN VARIETY. Identifiers: Orphanet 231169, Orphanet 886, MedGen C1848604, MONDO:0010171, OMIM 276904.

Allele frequency attached by ClinVar (database versions not stated): ExAC 0.00002; gnomAD 0.00002; gnomAD exomes 0.00002; TOPMed 0.00003.
gnomAD v4.1: 17 of 1,614,054 alleles (0.0011%); highest among the groups gnomAD compares: Admixed American, 0.0017%; no homozygotes.

Submissions (3):

Labcorp Genetics (formerly Invitae), Labcorp
Classification: Likely benign. Last evaluated: 2025-05-05. Review status: criteria provided, single submitter. Criteria: Invitae Variant Classification Sherloc (09022015). Collection method: clinical testing. Allele origin: germline.

Laboratory for Molecular Medicine, Mass General Brigham Personalized Medicine
Classification: Likely benign. Last evaluated: 2013-02-22. Review status: criteria provided, single submitter. Criteria: LMM Criteria. Collection method: clinical testing. Allele origin: germline. Observed: 1 variant allele.
Comment: Asn806Asn in exon 24 of USH1C: This variant is not expected to have clinical sig nificance because it does not alter an amino acid residue and is not located wit hin the splice consensus sequence.

Counsyl
Classification: Likely benign for Usher syndrome type 1C; Autosomal recessive nonsyndromic hearing loss 18A. Last evaluated: 2017-06-26. Review status: no assertion criteria provided. Collection method: clinical testing. Allele origin: unknown. Not counted in ClinVar's aggregate classification.

NM_153676.4(USH1C):c.2418C>T (p.Asn806=)

Gene: USH1C (USH1 protein network component harmonin; minus strand). Cytogenetic location: 11p15.1.
Variant type: single nucleotide variant.
Coding change: c.2418C>T on transcript NM_153676.4 (MANE Select); coding-DNA position 2418, C replaced by T.
Protein change: p.Asn806=; no amino-acid change (asparagine 806 retained).
Molecular consequence: synonymous variant. On other transcripts: non-coding transcript variant (1).
Genome position (GRCh38, 1-based): chr11:17,498,234, G>A on the plus strand (C>T on the coding strand, the complement: USH1C is on the minus strand). VCF-style: chr11-17498234-G-A. GRCh37 (hg19) VCF-style: chr11-17519781-G-A.
Other names: c.1461C>T, p.Asn487= (NM_001297764.2); c.1518C>T, p.Asn506= (NM_005709.4).
Identifiers: ClinVar variation 48001 (VCV000048001.14), dbSNP rs397517876, ClinGen allele CA142341.